The following is an entry in ClinVar:

ClinVar aggregate classification (germline): Conflicting classifications of pathogenicity. Review status: criteria provided, conflicting classifications (1 of 4 stars). 2 submissions from 2 submitters: Uncertain significance (1); Benign (1). Last evaluated 2026-06-01.

Conditions:
Kabuki syndrome. Also called: NIIKAWA-KUROKI SYNDROME; Kabuki make-up syndrome. Identifiers: Orphanet 2322, MedGen C0796004, MONDO:0016512.
KMT2D-related disorder. Also called: KMT2D-Related Disorders.

Allele frequency attached by ClinVar (database versions not stated): ExAC 0.00001; TOPMed 0.00001.
gnomAD v4.1: 7 of 1,614,038 alleles (0.00043%); highest among the groups gnomAD compares: Admixed American, 0.005%; no homozygotes.

Submissions (2):

PreventionGenetics, part of Exact Sciences
Classification: Uncertain significance for KMT2D-related condition. Last evaluated: 2026-06-01. Review status: criteria provided, single submitter. Criteria: ACMG Guidelines, 2015. Collection method: clinical testing. Allele origin: germline.
Comment: The KMT2D c.4802G>A variant is predicted to result in the amino acid substitution p.Arg1601His. To our knowledge, this variant has not been reported in the literature. This variant is reported in 0.0058% of alleles in individuals of Latino descent in gnomAD. At this time, the clinical significance of this variant is uncertain due to the absence of conclusive functional and genetic evidence.

Labcorp Genetics (formerly Invitae), Labcorp
Classification: Benign for Kabuki syndrome. Last evaluated: 2024-05-22. Review status: criteria provided, single submitter. Criteria: Invitae Variant Classification Sherloc (09022015). Collection method: clinical testing. Allele origin: germline.

NM_003482.4(KMT2D):c.4802G>A (p.Arg1601His)

Gene: KMT2D (lysine methyltransferase 2D; minus strand). Cytogenetic location: 12q13.12.
Variant type: single nucleotide variant.
Coding change: c.4802G>A on transcript NM_003482.4 (MANE Select); coding-DNA position 4802, G replaced by A.
Protein change: p.Arg1601His; replaces arginine 1601 with histidine.
Molecular consequence: missense variant.
Genome position (GRCh38, 1-based): chr12:49,044,905, C>T on the plus strand (G>A on the coding strand, the complement: KMT2D is on the minus strand). VCF-style: chr12-49044905-C-T. GRCh37 (hg19) VCF-style: chr12-49438688-C-T.
Other names: short protein forms R1601H.
Identifiers: ClinVar variation 2628887 (VCV002628887.5), dbSNP rs749039924, ClinGen allele CA6547709.